The following is an entry in ClinVar:

NM_000059.4(BRCA2):c.7828G>C (p.Val2610Leu)

Gene: BRCA2 (BRCA2 DNA repair associated; plus strand). Cytogenetic location: 13q13.1.
Variant type: single nucleotide variant.
Coding change: c.7828G>C on transcript NM_000059.4 (MANE Select); coding-DNA position 7828, G replaced by C.
Protein change: p.Val2610Leu; replaces valine 2610 with leucine.
Molecular consequence: missense variant. On other transcripts: non-coding transcript variant (1).
Genome position (GRCh38, 1-based): chr13:32,362,545, G>C. VCF-style: chr13-32362545-G-C. GRCh37 (hg19) VCF-style: chr13-32936682-G-C.
Other names: c.7732G>C, p.Val2578Leu (NM_001406719.1); c.7828G>C, p.Val2610Leu (NM_001406720.1, NM_001432077.1); c.2896G>C, p.Val966Leu (NM_001406721.1); c.1411G>C, p.Val471Leu (NM_001406722.1); short protein forms V2578L, V2610L, V966L, V471L.
Identifiers: ClinVar variation 4215282 (VCV004215282.1).

ClinVar aggregate classification (germline): Uncertain significance (1 of 4 stars; one submission).

Conditions:
Hereditary cancer-predisposing syndrome. Also called: Neoplastic Syndromes, Hereditary; Tumor predisposition; Hereditary Cancer Syndrome; Hereditary neoplastic syndrome. Identifiers: Orphanet 140162, MedGen C0027672, MeSH D009386, MONDO:0015356.

Submission:

Ambry Genetics
Classification: Uncertain significance for Hereditary cancer-predisposing syndrome. Last evaluated: 2025-07-07. Review status: criteria provided, single submitter. Criteria: Ambry Variant Classification Scheme 2023. Collection method: clinical testing. Allele origin: germline.
Comment: The p.V2610L variant (also known as c.7828G>C), located in coding exon 16 of the BRCA2 gene, results from a G to C substitution at nucleotide position 7828. The valine at codon 2610 is replaced by leucine, an amino acid with highly similar properties. This amino acid position is highly conserved in available vertebrate species. In addition, this alteration is predicted to be deleterious by in silico analysis. Based on the available evidence, the clinical significance of this variant remains unclear.